The following is an entry in ClinVar:

NM_002691.4(POLD1):c.1451A>G (p.Glu484Gly)

Gene: POLD1 (DNA polymerase delta 1, catalytic subunit; plus strand). Cytogenetic location: 19q13.33.
Variant type: single nucleotide variant.
Coding change: c.1451A>G on transcript NM_002691.4 (MANE Select); coding-DNA position 1451, A replaced by G.
Protein change: p.Glu484Gly; replaces glutamic acid 484 with glycine.
Molecular consequence: missense variant. On other transcripts: non-coding transcript variant (1).
Genome position (GRCh38, 1-based): chr19:50,406,474, A>G. VCF-style: chr19-50406474-A-G. GRCh37 (hg19) VCF-style: chr19-50909731-A-G.
Other names: c.1451A>G, p.Glu484Gly (NM_001256849.1, NM_001308632.1); short protein forms E484G.
Identifiers: ClinVar variation 1353526 (VCV001353526.8), dbSNP rs2122327481, ClinGen allele CA406980229.

ClinVar aggregate classification (germline): Uncertain significance (1 of 4 stars; one submission).

Conditions:
POLD1-related polyposis and colorectal cancer syndrome (CRCS10). Also called: Colorectal cancer, susceptibility to, 10; Colorectal cancer 10; COLORECTAL CANCER, SUSCEPTIBILITY TO, ON CHROMOSOME 19q. Identifiers: Orphanet 220460, MedGen C2675481, MONDO:0012953, OMIM 612591.

Submission:

Labcorp Genetics (formerly Invitae), Labcorp
Classification: Uncertain significance for POLD1-related polyposis and colorectal cancer syndrome. Last evaluated: 2021-05-13. Review status: criteria provided, single submitter. Criteria: Invitae Variant Classification Sherloc (09022015). Collection method: clinical testing. Allele origin: germline.
Comment: In summary, the available evidence is currently insufficient to determine the role of this variant in disease. Therefore, it has been classified as a Variant of Uncertain Significance. Algorithms developed to predict the effect of missense changes on protein structure and function are either unavailable or do not agree on the potential impact of this missense change (SIFT: "Deleterious"; PolyPhen-2: "Probably Damaging"; Align-GVGD: "Class C0"). This variant has not been reported in the literature in individuals with POLD1-related conditions. This variant is not present in population databases (ExAC no frequency). This sequence change replaces glutamic acid with glycine at codon 484 of the POLD1 protein (p.Glu484Gly). The glutamic acid residue is highly conserved and there is a moderate physicochemical difference between glutamic acid and glycine.